The following is an entry in ClinVar:

ClinVar aggregate classification (germline): Uncertain significance. Review status: criteria provided, multiple submitters, no conflicts (2 of 4 stars). 8 submissions from 7 submitters: Uncertain significance (8). Last evaluated 2025-09-24.

Conditions:
Mitochondrial complex IV deficiency, nuclear type 3. Also called: Mitochondrial complex 4 deficiency, nuclear type 3. Identifiers: MedGen C5436682, MONDO:0033635, OMIM 619046.
Inborn genetic diseases. Identifiers: MedGen C0950123, MeSH D030342.
Leigh syndrome (NULS). Also called: LEIGH SYNDROME, NUCLEAR; Leigh Syndrome (mtDNA deletion); Leigh Disease; Subacute necrotizing encephalopathy; Necrotizing encephalopathy infantile subacute of Leigh; Leigh's necrotizing encephalopathy. Identifiers: Orphanet 506, MedGen C2931891, MONDO:0009723, OMIM 256000.

Allele frequency attached by ClinVar (database versions not stated): gnomAD exomes 0.00029 and 0.00056; ExAC 0.00030; TOPMed 0.00036; gnomAD 0.00037 and 0.00041; ESP Exome Variant Server 0.00038.
gnomAD v4.1: 860 of 1,613,824 alleles (0.053%); highest among the groups gnomAD compares: Non-Finnish European, 0.07%; 1 homozygote.

Submissions (9):

Mayo Clinic Laboratories, Mayo Clinic
Classification: Uncertain significance. Last evaluated: 2025-09-24. Review status: criteria provided, single submitter. Criteria: ACMG Guidelines, 2015. Collection method: clinical testing. Allele origin: germline. Observed: 6 variant alleles.
Comment: BP4

Baylor Genetics
Classification: Uncertain significance for Mitochondrial complex IV deficiency, nuclear type 3. Last evaluated: 2023-12-11. Review status: criteria provided, single submitter. Criteria: ACMG Guidelines, 2015. Collection method: clinical testing. Allele origin: unknown.

Ambry Genetics
Classification: Uncertain significance for Inborn genetic diseases. Last evaluated: 2022-06-13. Review status: criteria provided, single submitter. Criteria: Ambry Variant Classification Scheme 2023. Collection method: clinical testing. Allele origin: germline.

Fulgent Genetics
Classification: Uncertain significance for Mitochondrial complex IV deficiency, nuclear type 3. Last evaluated: 2022-02-07. Review status: criteria provided, single submitter. Criteria: ACMG Guidelines, 2015. Collection method: clinical testing. Allele origin: unknown.

Labcorp Genetics (formerly Invitae), Labcorp
Classification: Uncertain significance. Last evaluated: 2021-12-03. Review status: criteria provided, single submitter. Criteria: Invitae Variant Classification Sherloc (09022015). Collection method: clinical testing. Allele origin: germline.
Comment: This sequence change replaces cysteine, which is neutral and slightly polar, with arginine, which is basic and polar, at codon 343 of the COX10 protein (p.Cys343Arg). This variant is present in population databases (rs200818252, gnomAD 0.06%). This variant has not been reported in the literature in individuals affected with COX10-related conditions. ClinVar contains an entry for this variant (Variation ID: 377357). Algorithms developed to predict the effect of missense changes on protein structure and function output the following: SIFT: "Tolerated"; PolyPhen-2: "Benign"; Align-GVGD: "Class C0". The arginine amino acid residue is found in multiple mammalian species, which suggests that this missense change does not adversely affect protein function. In summary, the available evidence is currently insufficient to determine the role of this variant in disease. Therefore, it has been classified as a Variant of Uncertain Significance.

Department of Pathology and Laboratory Medicine, Sinai Health System
Classification: Uncertain significance for Leigh syndrome. Last evaluated: 2021-10-27. Review status: criteria provided, single submitter. Criteria: ACMG Guidelines, 2015. Collection method: research. Allele origin: germline.

Baylor Genetics
Classification: Uncertain significance for Leigh syndrome. Last evaluated: 2018-09-27. Review status: criteria provided, single submitter. Criteria: ACMG Guidelines, 2015. Collection method: clinical testing. Allele origin: unknown. Affected: yes.
Comment: This variant was determined to be of uncertain significance according to ACMG Guidelines, 2015 [PMID:25741868].

Center for Pediatric Genomic Medicine, Children's Mercy Hospital and Clinics
Classification: Uncertain significance. Last evaluated: 2016-09-20. Review status: criteria provided, single submitter. Criteria: ACMG Guidelines, 2015. Collection method: clinical testing. Allele origin: germline.
ClinVar note: Converted during submission from Uncertain Significance to Uncertain significance.

Johnston Lab, North Central College
No classification provided (evidence only). Review status: no classification provided. Collection method: in vitro. Allele origin: not applicable. Functional consequence: functionally_normal. Not counted in ClinVar's aggregate classification.
ClinVar note: "not provided" was previously submitted as the classification for the variant. However, the classification appeared to be based only on an observation of functional data so it was converted to no classification on 2025-07-30.

Literature cited by the submitters: PubMed 23665194 (cited by Mayo Clinic Laboratories, Mayo Clinic); PubMed 39152498 (cited by Mayo Clinic Laboratories, Mayo Clinic).

NM_001303.4(COX10):c.1027T>C (p.Cys343Arg)

Gene: COX10 (cytochrome c oxidase assembly factor heme A:farnesyltransferase COX10; plus strand). Cytogenetic location: 17p12.
Variant type: single nucleotide variant.
Coding change: c.1027T>C on transcript NM_001303.4 (MANE Select); coding-DNA position 1027, T replaced by C.
Protein change: p.Cys343Arg; replaces cysteine 343 with arginine.
Molecular consequence: missense variant.
Genome position (GRCh38, 1-based): chr17:14,206,908, T>C. VCF-style: chr17-14206908-T-C. GRCh37 (hg19) VCF-style: chr17-14110225-T-C.
Other names: p.Cys343Arg; short protein forms C343R.
Identifiers: ClinVar variation 377357 (VCV000377357.18), dbSNP rs200818252, ClinGen allele CA8402510.